The following is an entry in ClinVar:

NM_004369.4(COL6A3):c.2167C>G (p.Leu723Val)

Gene: COL6A3 (collagen type VI alpha 3 chain; minus strand). Cytogenetic location: 2q37.3.
Variant type: single nucleotide variant.
Coding change: c.2167C>G on transcript NM_004369.4 (MANE Select); coding-DNA position 2167, C replaced by G.
Protein change: p.Leu723Val; replaces leucine 723 with valine.
Molecular consequence: missense variant. On other transcripts: intron variant (1).
Genome position (GRCh38, 1-based): chr2:237,378,966, G>C on the plus strand (C>G on the coding strand, the complement: COL6A3 is on the minus strand). VCF-style: chr2-237378966-G-C. GRCh37 (hg19) VCF-style: chr2-238287609-G-C.
Other names: c.946C>G, p.Leu316Val (NM_057164.5); c.1549C>G, p.Leu517Val (NM_057165.5, NM_057167.4); c.677-1622C>G (NM_057166.5); short protein forms L316V, L517V, L723V.
Identifiers: ClinVar variation 5036926 (VCV005036926.1).

ClinVar aggregate classification (germline): Uncertain significance (1 of 4 stars; one submission).

Submission:

GeneDx
Classification: Uncertain significance. Last evaluated: 2026-04-19. Review status: criteria provided, single submitter. Criteria: GeneDx Variant Classification Process June 2021. Collection method: clinical testing. Allele origin: germline.
Comment: Not observed at significant frequency in large population cohorts (gnomAD); In silico analysis supports that this missense variant has a deleterious effect on protein structure/function; Has not been previously published as pathogenic or benign to our knowledge